The following is an entry in ClinVar:

ClinVar aggregate classification (germline): Uncertain significance (1 of 4 stars; one submission).

Conditions:
Familial sleep-related hypermotor epilepsy. Also called: Autosomal Dominant Sleep-Related Hypermotor (Hyperkinetic) Epilepsy. Identifiers: Orphanet 98784, MedGen C3696898, MONDO:0000030.

Submission:

Labcorp Genetics (formerly Invitae), Labcorp
Classification: Uncertain significance. Last evaluated: 2024-10-12. Review status: criteria provided, single submitter. Criteria: Invitae Variant Classification Sherloc (09022015). Collection method: clinical testing. Allele origin: germline.
Comment: This sequence change replaces tryptophan, which is neutral and slightly polar, with arginine, which is basic and polar, at codon 451 of the CHRNB2 protein (p.Trp451Arg). This variant is not present in population databases (gnomAD no frequency). This variant has not been reported in the literature in individuals affected with CHRNB2-related conditions. Invitae Evidence Modeling of protein sequence and biophysical properties (such as structural, functional, and spatial information, amino acid conservation, physicochemical variation, residue mobility, and thermodynamic stability) indicates that this missense variant is expected to disrupt CHRNB2 protein function with a positive predictive value of 80%. In summary, the available evidence is currently insufficient to determine the role of this variant in disease. Therefore, it has been classified as a Variant of Uncertain Significance.

NM_000748.3(CHRNB2):c.1351T>C (p.Trp451Arg)

Gene: CHRNB2 (cholinergic receptor nicotinic beta 2 subunit; plus strand). Cytogenetic location: 1q21.3.
Variant type: single nucleotide variant.
Coding change: c.1351T>C on transcript NM_000748.3 (MANE Select); coding-DNA position 1351, T replaced by C.
Protein change: p.Trp451Arg; replaces tryptophan 451 with arginine.
Molecular consequence: missense variant.
Genome position (GRCh38, 1-based): chr1:154,575,774, T>C. VCF-style: chr1-154575774-T-C. GRCh37 (hg19) VCF-style: chr1-154548250-T-C.
Other names: short protein forms W451R.
Identifiers: ClinVar variation 3625542 (VCV003625542.2).